The following is an entry in ClinVar:

ClinVar aggregate classification (germline): Likely pathogenic. Review status: criteria provided, multiple submitters, no conflicts (2 of 4 stars). 3 submissions from 3 submitters: Likely pathogenic (2). 1 of the submissions does not count toward it. Last evaluated 2023-06-22.

Conditions:
ALG3-congenital disorder of glycosylation. Also called: CONGENITAL DISORDER OF GLYCOSYLATION, TYPE Id; CDG Id; ALG3-CDG; CARBOHYDRATE-DEFICIENT GLYCOPROTEIN SYNDROME, TYPE IV; CDGS, TYPE IV. Identifiers: Orphanet 79321, MedGen C1832736, MONDO:0010998, OMIM 601110.

Allele frequency attached by ClinVar (database versions not stated): gnomAD 0.00001; gnomAD exomes 0.00001; TOPMed 0.00001.

Submissions (3):

Neuberg Centre For Genomic Medicine, NCGM
Classification: Likely pathogenic for ALG3-congenital disorder of glycosylation. Last evaluated: 2023-06-22. Review status: criteria provided, single submitter. Criteria: ACMG Guidelines, 2015. Collection method: clinical testing. Allele origin: germline. Inheritance: Autosomal recessive inheritance. Affected: yes.
Comment: The missense c.521A>G (p.Asn174Ser) variant in the ALG3 gene has been reported to be in trans with a pathogenic variant as either compound heterozygous or homozygous in at least one affected patient with ALG3 related disorder (Alsharhan, Hind et al.,2021). The variant is absent in gnomAD Exomes. It is submitted to ClinVar as Likely Pathogenic. The amino acid Asparagine at position 174 is changed to a Serine changing protein sequence and it might alter its composition and physico-chemical properties. Multiple lines of computational evidence (Polyphen - Damaging, SIFT – Damaging and MutationTaster - Disease causing) predict a damaging effect on protein structure and function for this variant. The amino acid Asparagine p.Asn174Ser in ALG3 is predicted as conserved by GERP++ and PhyloP across 100 vertebrates. Missense changes are a common disease-causing mechanism. For these reasons, this variant has been classified as Likely Pathogenic. In the absence of another reportable variant, the molecular diagnosis is not confirmed.

3billion
Classification: Likely pathogenic for ALG3-congenital disorder of glycosylation. Last evaluated: 2023-02-23. Review status: criteria provided, single submitter. Criteria: ACMG Guidelines, 2015. Collection method: clinical testing. Allele origin: unknown. Affected: yes.
Comment: The variant is not observed in the gnomAD v2.1.1 dataset. Missense changes are a common disease-causing mechanism. In silico tool predictions suggest damaging effect of the variant on gene or gene product (REVEL: 0.85; 3Cnet: 0.83). Same nucleotide change resulting in same amino acid change has been previously reported to be associated with ALG3 related disorder (ClinVar ID: VCV001184851 / PMID: 33583022). The variant has been reported to be in trans with a pathogenic variant as either compound heterozygous or homozygous in at least one similarly affected unrelated individual (PMID: 33583022). Therefore, this variant is classified as Likely pathogenic according to the recommendation of ACMG/AMP guideline.

University of Washington Center for Mendelian Genomics, University of Washington
Classification: Likely pathogenic for ALG3-congenital disorder of glycosylation. Review status: no assertion criteria provided. Collection method: research. Allele origin: inherited. Affected: yes. Not counted in ClinVar's aggregate classification.

Literature cited by the submitters: PubMed 33583022 (cited by 3billion and University of Washington Center for Mendelian Genomics, University of Washington).

NM_005787.6(ALG3):c.521A>G (p.Asn174Ser)

Gene: ALG3 (ALG3 alpha-1,3- mannosyltransferase; minus strand). Cytogenetic location: 3q27.1.
Variant type: single nucleotide variant.
Coding change: c.521A>G on transcript NM_005787.6 (MANE Select); coding-DNA position 521, A replaced by G.
Protein change: p.Asn174Ser; replaces asparagine 174 with serine.
Molecular consequence: missense variant. On other transcripts: non-coding transcript variant (2).
Genome position (GRCh38, 1-based): chr3:184,245,282, T>C on the plus strand (A>G on the coding strand, the complement: ALG3 is on the minus strand). VCF-style: chr3-184245282-T-C. GRCh37 (hg19) VCF-style: chr3-183963070-T-C.
Other names: c.377A>G, p.Asn126Ser (NM_001006941.2); short protein forms N126S, N174S.
Identifiers: ClinVar variation 1184851 (VCV001184851.3), dbSNP rs1719068613, ClinGen allele CA355421242.